The following is an entry in ClinVar:

ClinVar aggregate classification (germline): Uncertain significance (1 of 4 stars; one submission).

Submission:

GeneDx
Classification: Uncertain significance. Last evaluated: 2024-11-27. Review status: criteria provided, single submitter. Criteria: GeneDx Variant Classification Process June 2021. Collection method: clinical testing. Allele origin: germline. Affected: yes.
Comment: Not observed at significant frequency in large population cohorts (gnomAD); In silico analysis supports that this missense variant has a deleterious effect on protein structure/function; Has not been previously published as pathogenic or benign to our knowledge

NM_013450.4(BAZ2B):c.4483G>A (p.Gly1495Arg)

Genes: BAZ2B (bromodomain adjacent to zinc finger domain 2B; minus strand), LOC126806390 (CDK7 strongly-dependent group 2 enhancer GRCh37_chr2:160205700-160206899; plus strand). Cytogenetic location: 2q24.2.
Variant type: single nucleotide variant.
Coding change: c.4483G>A on transcript NM_013450.4 (MANE Select); coding-DNA position 4483, G replaced by A.
Protein change: p.Gly1495Arg; replaces glycine 1495 with arginine.
Molecular consequence: missense variant.
Genome position (GRCh38, 1-based): chr2:159,350,088, C>T on the plus strand (G>A on the coding strand, the complement: BAZ2B is on the minus strand). VCF-style: chr2-159350088-C-T. GRCh37 (hg19) VCF-style: chr2-160206599-C-T.
Other names: c.4375G>A, p.Gly1459Arg (NM_001289975.1); c.4321G>A, p.Gly1441Arg (NM_001329857.2); c.4408G>A, p.Gly1470Arg (NM_001329858.2); short protein forms G1441R, G1459R, G1470R, G1495R.
Identifiers: ClinVar variation 3900956 (VCV003900956.1).